The following is an entry in ClinVar:

NM_002662.5(PLD1):c.2430-4G>T

Gene: PLD1 (phospholipase D1; minus strand). Cytogenetic location: 3q26.31.
Variant type: single nucleotide variant.
Coding change: c.2430-4G>T on transcript NM_002662.5 (MANE Select); 4 bases into the intron before coding-DNA position 2430, G replaced by T.
Molecular consequence: intron variant.
Genome position (GRCh38, 1-based): chr3:171,645,027, C>A on the plus strand (G>T on the coding strand, the complement: PLD1 is on the minus strand). VCF-style: chr3-171645027-C-A. GRCh37 (hg19) VCF-style: chr3-171362817-C-A.
Other names: c.2316-4G>T (NM_001130081.3).
Identifiers: ClinVar variation 3026964 (VCV003026964.22), dbSNP rs1296987715, ClinGen allele CA548050618.

ClinVar aggregate classification (germline): Uncertain significance (1 of 4 stars; one submission).

Allele frequency attached by ClinVar (database versions not stated): gnomAD exomes below 0.00001.
gnomAD v4.1: 2 of 1,588,140 alleles (0.00013%); highest among the groups gnomAD compares: Non-Finnish European, 0.00017%; no homozygotes.

Submission:

CeGaT Center for Human Genetics Tuebingen
Classification: Uncertain significance. Last evaluated: 2023-12-01. Review status: criteria provided, single submitter. Criteria: CeGaT Center For Human Genetics Tuebingen Variant Classification Criteria Version 2. Collection method: clinical testing. Allele origin: germline. Affected: yes. Observed: 1 variant allele.
Comment: PLD1: PM2, BP4